The following is an entry in ClinVar:

NM_004738.5(VAPB):c.-137C>T

Genes: VAPB (VAMP associated protein B and C; plus strand), LOC130066253 (ATAC-STARR-seq lymphoblastoid silent region 13072; plus strand). Cytogenetic location: 20q13.32.
Variant type: single nucleotide variant.
Coding change: c.-137C>T on transcript NM_004738.5 (MANE Select); 137 bases upstream of the start codon, C replaced by T.
Molecular consequence: 5 prime UTR variant. On other transcripts: non-coding transcript variant (1).
Genome position (GRCh38, 1-based): chr20:58,389,323, C>T. VCF-style: chr20-58389323-C-T. GRCh37 (hg19) VCF-style: chr20-56964379-C-T.
Other names: c.-137C>T (NM_001195677.2).
Identifiers: ClinVar variation 895952 (VCV000895952.5), dbSNP rs542349554, ClinGen allele CA316271289.

ClinVar aggregate classification (germline): Likely benign. Review status: criteria provided, single submitter (1 of 4 stars). 2 submissions from 1 submitter: Likely benign (2). Last evaluated 2018-01-12.

Conditions:
Adult-onset proximal spinal muscular atrophy, autosomal dominant. Also called: FINKEL LATE-ADULT TYPE SMA; Spinal muscular atrophy, late-onset, finkel type. Identifiers: Orphanet 209335, MedGen C1854058, MONDO:0008453, OMIM 182980.
Amyotrophic lateral sclerosis type 8 (ALS8). Identifiers: Orphanet 803, MedGen C1837728, MONDO:0012077, OMIM 608627.

Allele frequency attached by ClinVar (database versions not stated): gnomAD exomes 0.00006; 1000 Genomes Project 0.00040; TOPMed 0.00046; gnomAD 0.00059 and 0.00062; 1000 Genomes Project 30x 0.00109.
gnomAD v4.1: 108 of 944,086 alleles (0.011%); highest among the groups gnomAD compares: African/African-American, 0.17%; no homozygotes.

Submissions (2):

Illumina Laboratory Services, Illumina
Classification: Likely benign for Adult-onset proximal spinal muscular atrophy, autosomal dominant. Last evaluated: 2018-01-12. Review status: criteria provided, single submitter. Criteria: ICSL Variant Classification Criteria 13 December 2019. Collection method: clinical testing. Allele origin: germline.
Comment: This variant was observed in the ICSL laboratory as part of a predisposition screen in an ostensibly healthy population. It had not been previously curated by ICSL or reported in the Human Gene Mutation Database (HGMD: prior to June 1st, 2018), and was therefore a candidate for classification through an automated scoring system. Utilizing variant allele frequency, disease prevalence and penetrance estimates, and inheritance mode, an automated score was calculated to assess if this variant is too frequent to cause the disease. Based on the score and internal cut-off values, a variant classified as likely benign is not then subjected to further curation. The score for this variant resulted in a classification of likely benign for this disease.

Illumina Laboratory Services, Illumina
Classification: Likely benign for Amyotrophic lateral sclerosis type 8. Last evaluated: 2018-01-12. Review status: criteria provided, single submitter. Criteria: ICSL Variant Classification Criteria 13 December 2019. Collection method: clinical testing. Allele origin: germline.
Comment: the same text as in the submission from Illumina Laboratory Services, Illumina above.